The following is an entry in ClinVar:

NM_001040142.2(SCN2A):c.1655T>C (p.Phe552Ser)

Gene: SCN2A (sodium voltage-gated channel alpha subunit 2; plus strand). Cytogenetic location: 2q24.3.
Variant type: single nucleotide variant.
Coding change: c.1655T>C on transcript NM_001040142.2 (MANE Select); coding-DNA position 1655, T replaced by C.
Protein change: p.Phe552Ser; replaces phenylalanine 552 with serine.
Molecular consequence: missense variant.
Genome position (GRCh38, 1-based): chr2:165,315,742, T>C. VCF-style: chr2-165315742-T-C. GRCh37 (hg19) VCF-style: chr2-166172252-T-C.
Other names: c.1655T>C, p.Phe552Ser (NM_001040143.2, NM_001371246.1, NM_001371247.1 and 1 more transcripts); short protein forms F552S.
Identifiers: ClinVar variation 1720211 (VCV001720211.6), dbSNP rs2467909361, ClinGen allele CA349024098.
Genomic context (GRCh38, chr2:165,315,742, plus strand): 5'-TAAGAAGAAAAGGTTTCCGTTTTTCCTTGGAAGGAAGTAGGCTGACATATGAAAAGAGAT[T>C]TTCTTCTCCACACCAGGTAAAAATATTAAATTACATGAATTGTGTTCTCATAAATTTTTT-3'
Protein context (NP_001035232.1, residues 542-562): EGSRLTYEKR[Phe552Ser]SSPHQSLLSI

ClinVar aggregate classification (germline): Uncertain significance (1 of 4 stars; one submission).

Conditions:
Seizures, benign familial infantile, 3 (BFIS3). Also called: CONVULSIONS, BENIGN FAMILIAL INFANTILE, 3; Familial neonatal seizures. Identifiers: Orphanet 140927, Orphanet 306, MedGen C1843140, MONDO:0011904, OMIM 607745.
Developmental and epileptic encephalopathy, 11 (DEE11). Also called: Early infantile epileptic encephalopathy 11. Identifiers: Orphanet 1934, MedGen C3150987, MONDO:0013388, OMIM 613721.

Submission:

Labcorp Genetics (formerly Invitae), Labcorp
Classification: Uncertain significance for Seizures, benign familial infantile, 3; Developmental and epileptic encephalopathy, 11. Last evaluated: 2023-02-08. Review status: criteria provided, single submitter. Criteria: Invitae Variant Classification Sherloc (09022015). Collection method: clinical testing. Allele origin: germline.
Comment: In summary, the available evidence is currently insufficient to determine the role of this variant in disease. Therefore, it has been classified as a Variant of Uncertain Significance. Advanced modeling of protein sequence and biophysical properties (such as structural, functional, and spatial information, amino acid conservation, physicochemical variation, residue mobility, and thermodynamic stability) performed at Invitae indicates that this missense variant is not expected to disrupt SCN2A protein function. ClinVar contains an entry for this variant (Variation ID: 1720211). This variant has not been reported in the literature in individuals affected with SCN2A-related conditions. This variant is not present in population databases (gnomAD no frequency). This sequence change replaces phenylalanine, which is neutral and non-polar, with serine, which is neutral and polar, at codon 552 of the SCN2A protein (p.Phe552Ser).